The following is an entry in ClinVar:

ClinVar aggregate classification (germline): Uncertain significance (1 of 4 stars; one submission).

Conditions:
Severe early-onset pulmonary alveolar proteinosis due to MARS deficiency. Also called: PULMONARY ALVEOLAR PROTEINOSIS, REUNION ISLAND; Interstitial lung and liver disease. Identifiers: Orphanet 440427, MedGen C4225400, MONDO:0014206, OMIM 615486.
Charcot-Marie-Tooth disease axonal type 2U. Also called: CHARCOT-MARIE-TOOTH NEUROPATHY, TYPE 2U; CHARCOT-MARIE-TOOTH DISEASE, AXONAL, AUTOSOMAL DOMINANT, TYPE 2U. Identifiers: Orphanet 397735, MedGen C4084821, MONDO:0014566, OMIM 616280.

gnomAD v4.1: 2 of 1,612,614 alleles (0.00012%); highest among the groups gnomAD compares: Non-Finnish European, 0.00017%; no homozygotes.

Submission:

Labcorp Genetics (formerly Invitae), Labcorp
Classification: Uncertain significance for Charcot-Marie-Tooth disease axonal type 2U; Severe early-onset pulmonary alveolar proteinosis due to MARS deficiency. Last evaluated: 2025-07-16. Review status: criteria provided, single submitter. Criteria: Invitae Variant Classification Sherloc (09022015). Collection method: clinical testing. Allele origin: germline.
Comment: This sequence change replaces valine, which is neutral and non-polar, with isoleucine, which is neutral and non-polar, at codon 216 of the MARS protein (p.Val216Ile). This variant is not present in population databases (gnomAD no frequency). This variant has not been reported in the literature in individuals affected with MARS-related conditions. ClinVar contains an entry for this variant (Variation ID: 3758603). An algorithm developed to predict the effect of missense changes on protein structure and function outputs the following: PolyPhen-2: "Benign". The isoleucine amino acid residue is found in multiple mammalian species, which suggests that this missense change does not adversely affect protein function. In summary, the available evidence is currently insufficient to determine the role of this variant in disease. Therefore, it has been classified as a Variant of Uncertain Significance.

NM_004990.4(MARS1):c.646G>A (p.Val216Ile)

Gene: MARS1 (methionyl-tRNA synthetase 1; plus strand). Cytogenetic location: 12q13.3.
Variant type: single nucleotide variant.
Coding change: c.646G>A on transcript NM_004990.4 (MANE Select); coding-DNA position 646, G replaced by A.
Protein change: p.Val216Ile; replaces valine 216 with isoleucine.
Molecular consequence: missense variant.
Genome position (GRCh38, 1-based): chr12:57,490,362, G>A. VCF-style: chr12-57490362-G-A. GRCh37 (hg19) VCF-style: chr12-57884145-G-A.
Other names: short protein forms V216I.
Identifiers: ClinVar variation 3758603 (VCV003758603.2).